The following is an entry in ClinVar:

NM_182961.4(SYNE1):c.22673T>C (p.Ile7558Thr)

Gene: SYNE1 (spectrin repeat containing nuclear envelope protein 1; minus strand). Cytogenetic location: 6q25.2.
Variant type: single nucleotide variant.
Coding change: c.22673T>C on transcript NM_182961.4 (MANE Select); coding-DNA position 22673, T replaced by C.
Protein change: p.Ile7558Thr; replaces isoleucine 7558 with threonine.
Molecular consequence: missense variant.
Genome position (GRCh38, 1-based): chr6:152,208,123, A>G on the plus strand (T>C on the coding strand, the complement: SYNE1 is on the minus strand). VCF-style: chr6-152208123-A-G. GRCh37 (hg19) VCF-style: chr6-152529258-A-G.
Other names: c.22460T>C, p.Ile7487Thr (NM_033071.5); short protein forms I7487T, I7558T.
Identifiers: ClinVar variation 1985553 (VCV001985553.4), dbSNP rs767725747, ClinGen allele CA4053817.
Genomic context (GRCh38, chr6:152,208,123, plus strand): 5'-CATTTACGAAGCTTTTCTGCCATCTCCCTATAGCGCTGCCACTGGCGAATCTGGCTGTCA[A>G]TGATCCCCCGCCTCTGCTGGGCCCTGCGAATCACTCCCTGCCATTGATTACTGAGGAGTG-3'
Protein context (NP_892006.3, residues 7548-7568): IRRAQQRRGI[Ile7558Thr]DSQIRQWQRY

ClinVar aggregate classification (germline): Uncertain significance (1 of 4 stars; one submission).

Conditions:
Emery-Dreifuss muscular dystrophy 4, autosomal dominant (EDMD4). Also called: EMERY-DREIFUSS MUSCULAR DYSTROPHY 4 WITH VARIABLE FEATURES. Identifiers: Orphanet 261, MedGen C2751807, MONDO:0013071, OMIM 612998.
Autosomal recessive ataxia, Beauce type. Also called: SYNE1 Deficiency; Spinocerebellar ataxia, autosomal recessive 8; ATAXIA, RECESSIVE, OF BEAUCE; SYNE1-Related Autosomal Recessive Cerebellar Ataxia. Identifiers: Orphanet 88644, MedGen C1853116, MONDO:0012549, OMIM 610743.

Allele frequency attached by ClinVar (database versions not stated): TOPMed 0.00002; gnomAD 0.00004; gnomAD exomes below 0.00001; ExAC 0.00001.

Submission:

Labcorp Genetics (formerly Invitae), Labcorp
Classification: Uncertain significance for Emery-Dreifuss muscular dystrophy 4, autosomal dominant; Autosomal recessive ataxia, Beauce type. Last evaluated: 2021-12-24. Review status: criteria provided, single submitter. Criteria: Invitae Variant Classification Sherloc (09022015). Collection method: clinical testing. Allele origin: germline.
Comment: This sequence change replaces isoleucine, which is neutral and non-polar, with threonine, which is neutral and polar, at codon 7487 of the SYNE1 protein (p.Ile7487Thr). This variant is present in population databases (rs767725747, gnomAD 0.008%). This variant has not been reported in the literature in individuals affected with SYNE1-related conditions. Algorithms developed to predict the effect of missense changes on protein structure and function (SIFT, PolyPhen-2, Align-GVGD) all suggest that this variant is likely to be disruptive. In summary, the available evidence is currently insufficient to determine the role of this variant in disease. Therefore, it has been classified as a Variant of Uncertain Significance.